The following is an entry in ClinVar:

NM_021930.6(RINT1):c.1213G>A (p.Val405Ile)

Gene: RINT1 (RAD50 interactor 1; plus strand). Cytogenetic location: 7q22.3.
Variant type: single nucleotide variant.
Coding change: c.1213G>A on transcript NM_021930.6 (MANE Select); coding-DNA position 1213, G replaced by A.
Protein change: p.Val405Ile; replaces valine 405 with isoleucine.
Molecular consequence: missense variant. On other transcripts: non-coding transcript variant (1).
Genome position (GRCh38, 1-based): chr7:105,550,366, G>A. VCF-style: chr7-105550366-G-A. GRCh37 (hg19) VCF-style: chr7-105190813-G-A.
Other names: c.979G>A, p.Val327Ile (NM_001346599.2); c.190G>A, p.Val64Ile (NM_001346600.2, NM_001346603.2); c.289G>A, p.Val97Ile (NM_001346601.2); short protein forms V64I, V327I, V405I, V97I.
Identifiers: ClinVar variation 1408050 (VCV001408050.11), dbSNP rs768687841, ClinGen allele CA4426623.

ClinVar aggregate classification (germline): Uncertain significance. Review status: criteria provided, multiple submitters, no conflicts (2 of 4 stars). 2 submissions from 2 submitters: Uncertain significance (2). Last evaluated 2024-05-25.

Allele frequency attached by ClinVar (database versions not stated): ExAC 0.00002; gnomAD exomes 0.00002 and 0.00003.
gnomAD v4.1: 52 of 1,614,036 alleles (0.0032%); highest among the groups gnomAD compares: Non-Finnish European, 0.0042%; no homozygotes.

Submissions (2):

Ambry Genetics
Classification: Uncertain significance. Last evaluated: 2024-05-25. Review status: criteria provided, single submitter. Criteria: Ambry Variant Classification Scheme 2023. Collection method: clinical testing. Allele origin: germline.
Comment: The p.V405I variant (also known as c.1213G>A), located in coding exon 9 of the RINT1 gene, results from a G to A substitution at nucleotide position 1213. The valine at codon 405 is replaced by isoleucine, an amino acid with highly similar properties. This amino acid position is conserved. In addition, this alteration is predicted to be tolerated by in silico analysis. Since supporting evidence is limited at this time, the clinical significance of this alteration remains unclear.

Labcorp Genetics (formerly Invitae), Labcorp
Classification: Uncertain significance. Last evaluated: 2020-11-14. Review status: criteria provided, single submitter. Criteria: Invitae Variant Classification Sherloc (09022015). Collection method: clinical testing. Allele origin: germline.
Comment: This variant has not been reported in the literature in individuals with RINT1-related conditions. This sequence change replaces valine with isoleucine at codon 405 of the RINT1 protein (p.Val405Ile). The valine residue is highly conserved and there is a small physicochemical difference between valine and isoleucine. This variant is present in population databases (rs768687841, ExAC 0.003%). Algorithms developed to predict the effect of missense changes on protein structure and function (SIFT, PolyPhen-2, Align-GVGD) all suggest that this variant is likely to be tolerated, but these predictions have not been confirmed by published functional studies and their clinical significance is uncertain. In summary, the available evidence is currently insufficient to determine the role of this variant in disease. Therefore, it has been classified as a Variant of Uncertain Significance.